The following is an entry in ClinVar:

NM_032043.3(BRIP1):c.736A>G (p.Ile246Val)

Gene: BRIP1 (BRCA1 interacting DNA helicase 1; minus strand). Cytogenetic location: 17q23.2.
Variant type: single nucleotide variant.
Coding change: c.736A>G on transcript NM_032043.3 (MANE Select); coding-DNA position 736, A replaced by G.
Protein change: p.Ile246Val; replaces isoleucine 246 with valine.
Molecular consequence: missense variant.
Genome position (GRCh38, 1-based): chr17:61,808,649, T>C on the plus strand (A>G on the coding strand, the complement: BRIP1 is on the minus strand). VCF-style: chr17-61808649-T-C. GRCh37 (hg19) VCF-style: chr17-59886010-T-C.
Other names: short protein forms I246V.
Identifiers: ClinVar variation 461180 (VCV000461180.31), dbSNP rs376893571, ClinGen allele CA8690851.

ClinVar aggregate classification (germline): Conflicting classifications of pathogenicity. Review status: criteria provided, conflicting classifications (1 of 4 stars). 10 submissions from 10 submitters: Uncertain significance (6); Likely benign (4). Last evaluated 2026-02-02.

Conditions:
Hereditary cancer-predisposing syndrome. Also called: Hereditary neoplastic syndrome; Neoplastic Syndromes, Hereditary; Tumor predisposition; Hereditary Cancer Syndrome. Identifiers: Orphanet 140162, MedGen C0027672, MeSH D009386, MONDO:0015356.
Fanconi anemia complementation group J. Also called: BRIP1-Related Fanconi Anemia. Identifiers: Orphanet 84, MedGen C1836860, MONDO:0012187, OMIM 609054.
Familial cancer of breast. Also called: BREAST CANCER, FAMILIAL; hereditary breast carcinoma; Hereditary breast cancer. Identifiers: Orphanet 227535, MedGen C0346153, MONDO:0016419, OMIM 114480. Disease mechanism: loss of function.

Allele frequency attached by ClinVar (database versions not stated): gnomAD 0.00002 and 0.00003; TOPMed 0.00002; ESP Exome Variant Server 0.00008; gnomAD exomes 0.00008 and 0.00016; ExAC 0.00018.
gnomAD v4.1: 113 of 1,613,894 alleles (0.007%); highest among the groups gnomAD compares: South Asian, 0.1%; no homozygotes.

Submissions (10):

Labcorp Genetics (formerly Invitae), Labcorp
Classification: Likely benign for Familial cancer of breast; Fanconi anemia complementation group J. Last evaluated: 2026-02-02. Review status: criteria provided, single submitter. Criteria: Invitae Variant Classification Sherloc (09022015). Collection method: clinical testing. Allele origin: germline.

Center for Genomic Medicine, Rigshospitalet, Copenhagen University Hospital
Classification: Uncertain significance. Last evaluated: 2025-12-29. Review status: criteria provided, single submitter. Criteria: ACMG Guidelines, 2015. Collection method: clinical testing. Allele origin: germline.

Color Diagnostics, LLC DBA Color Health
Classification: Uncertain significance for Hereditary cancer-predisposing syndrome. Last evaluated: 2025-01-22. Review status: criteria provided, single submitter. Criteria: ACMG Guidelines, 2015. Collection method: clinical testing. Allele origin: germline.
Comment: This missense variant replaces isoleucine with valine at codon 246 of the BRIP1 protein. Computational prediction suggests that this variant may not impact protein structure and function. To our knowledge, functional studies have not been reported for this variant. This variant has been reported in an individual affected with breast and/or ovarian cancer (PMID: 28796317). This variant has been identified in 39/251202 chromosomes in the general population by the Genome Aggregation Database (gnomAD). The available evidence is insufficient to determine the role of this variant in disease conclusively. Therefore, this variant is classified as a Variant of Uncertain Significance.

Baylor Genetics
Classification: Uncertain significance for Familial cancer of breast. Last evaluated: 2024-01-18. Review status: criteria provided, single submitter. Criteria: ACMG Guidelines, 2015. Collection method: clinical testing. Allele origin: unknown.

Quest Diagnostics Nichols Institute San Juan Capistrano
Classification: Likely benign. Last evaluated: 2023-09-07. Review status: criteria provided, single submitter. Criteria: Quest Diagnostics criteria. Collection method: clinical testing. Allele origin: unknown.

KCCC/NGS Laboratory, Kuwait Cancer Control Center
Classification: Uncertain significance for Familial cancer of breast. Last evaluated: 2023-08-29. Review status: criteria provided, single submitter. Criteria: ACMG Guidelines, 2015. Collection method: clinical testing. Allele origin: germline. Inheritance: Autosomal dominant inheritance. Affected: yes. Observed: 1 heterozygote.
Comment: This sequence change replaces isoleucine, which is neutral and non-polar, with valine, which is neutral and non-polar, at codon 246 of the BRIP1 protein (p.Ile246Val). This variant is present in population databases (rs376893571, gnomAD 0.1%). This missense change has been observed in individual(s) with breast cancer (PMID: 28796317). ClinVar contains an entry for this variant (Variation ID: 461180). This amino acid position is highly conservative (PhyloP=7.41) . In silico prediction is inconclusive . In summary, the available evidence is currently insufficient to determine the role of this variant in disease. Therefore, it has been classified as a Variant of Uncertain Significance.

GeneDx
Classification: Likely benign. Last evaluated: 2023-04-20. Review status: criteria provided, single submitter. Criteria: GeneDx Variant Classification Process June 2021. Collection method: clinical testing. Allele origin: germline. Affected: yes.
Comment: In silico analysis supports that this missense variant does not alter protein structure/function; This variant is associated with the following publications: (PMID: 28796317, 29641532, 32164585)

Ambry Genetics
Classification: Likely benign for Hereditary cancer-predisposing syndrome. Last evaluated: 2022-10-03. Review status: criteria provided, single submitter. Criteria: Ambry Variant Classification Scheme 2023. Collection method: clinical testing. Allele origin: germline.

Sema4
Classification: Uncertain significance for Hereditary cancer-predisposing syndrome. Last evaluated: 2022-02-22. Review status: criteria provided, single submitter. Criteria: Sema4 Curation Guidelines. Collection method: curation. Allele origin: germline.
Comment: The BRIP1 c.736A>G (p.I246V) variant has been reported in heterozygosity in at least 1 individual with breast cancer (PMID: 28796317); however, it was also reported in 1 control (PMID: 29641532). This variant was observed in 37/30612 chromosomes in the South Asian population of the Genome Aggregation Database (PMID: 32461654). This variant has been reported in ClinVar (Variation ID: 461180). Functional studies have not been performed, and in silico predictions of the variant's effect on protein function are inconclusive. The evidence is insufficient to meet ACMG/AMP criteria for classifying the variant as benign or pathogenic. Thus, the clinical significance of this variant is currently uncertain.

Illumina Laboratory Services, Illumina
Classification: Uncertain significance for Fanconi anemia complementation group J. Last evaluated: 2017-08-22. Review status: criteria provided, single submitter. Criteria: ICSL Variant Classification Criteria 13 December 2019. Collection method: clinical testing. Allele origin: germline.

Literature cited by the submitters: PubMed 28796317 (cited by 4 submitters); PubMed 29641532 (cited by 3 submitters).